The following is an entry in ClinVar:

ClinVar aggregate classification (germline): Uncertain significance (1 of 4 stars; one submission).

Conditions:
Cystic fibrosis (CF). Also called: MUCOVISCIDOSIS. Identifiers: Orphanet 586, MedGen C0010674, MONDO:0009061, OMIM 219700. Disease mechanism: loss of function.

Submission:

Ambry Genetics
Classification: Uncertain significance for Cystic fibrosis. Last evaluated: 2025-02-03. Review status: criteria provided, single submitter. Criteria: Ambry Variant Classification Scheme 2023. Collection method: clinical testing. Allele origin: germline.
Comment: The p.L1376F variant (also known as c.4128G>C), located in coding exon 25 of the CFTR gene, results from a G to C substitution at nucleotide position 4128. The leucine at codon 1376 is replaced by phenylalanine, an amino acid with highly similar properties. This amino acid position is conserved. In addition, this alteration is predicted to be deleterious by in silico analysis. Based on the available evidence, the clinical significance of this variant remains unclear.

NM_000492.4(CFTR):c.4128G>C (p.Leu1376Phe)

Gene: CFTR (CF transmembrane conductance regulator; plus strand). Cytogenetic location: 7q31.2.
Variant type: single nucleotide variant.
Coding change: c.4128G>C on transcript NM_000492.4 (MANE Select); coding-DNA position 4128, G replaced by C.
Protein change: p.Leu1376Phe; replaces leucine 1376 with phenylalanine.
Molecular consequence: missense variant.
Genome position (GRCh38, 1-based): chr7:117,664,852, G>C. VCF-style: chr7-117664852-G-C. GRCh37 (hg19) VCF-style: chr7-117304906-G-C.
Other names: short protein forms L1376F.
Identifiers: ClinVar variation 3832589 (VCV003832589.1).